The following is an entry in ClinVar:

ClinVar aggregate classification (germline): Likely pathogenic (1 of 4 stars; one submission).

Conditions:
Osteogenesis imperfecta with normal sclerae, dominant form (OI4). Also called: OSTEOGENESIS IMPERFECTA, TYPE IV, WITH DENTINOGENESIS IMPERFECTA; Osteogenesis imperfecta type 4; Osteogenesis Imperfecta Type IV; OSTEOGENESIS IMPERFECTA WITH NORMAL SCLERAE; Common Variable Osteogenesis Imperfecta with Normal Sclerae. Identifiers: Orphanet 216820, Orphanet 666, MedGen C0268363, MONDO:0008148, OMIM 166220.

Submission:

Institute of Rare Diseases, West China Hospital, Sichuan University
Classification: Likely pathogenic for Osteogenesis imperfecta with normal sclerae, dominant form. Last evaluated: 2025-01-09. Review status: criteria provided, single submitter. Criteria: ClinGen HL ACMG Specifications v1. Collection method: research. Allele origin: germline. Affected: yes.
Comment: PVS1;PM2_Supporting

NM_000088.4(COL1A1):c.2829+2_2830del

Gene: COL1A1 (collagen type I alpha 1 chain; minus strand). Cytogenetic location: 17q21.33.
Variant type: Deletion.
Coding change: c.2829+2_2830del on transcript NM_000088.4 (MANE Select); the canonical splice donor site of the intron after coding-DNA position 2829 through coding-DNA position 2830, 101 bases deleted.
Molecular consequence: splice acceptor variant, splice donor variant.
Genome position (GRCh38, 1-based): chr17:50,189,275-50,189,375, 101 bases deleted. GRCh37 (hg19): chr17:48,266,637-48,266,737.
Identifiers: ClinVar variation 3601063 (VCV003601063.1).